The following is an entry in ClinVar:

ClinVar aggregate classification (germline): Uncertain significance. Review status: criteria provided, multiple submitters, no conflicts (2 of 4 stars). 2 submissions from 2 submitters: Uncertain significance (2). Last evaluated 2024-02-21.

Conditions:
Deficiency of malonyl-CoA decarboxylase. Also called: Malonic aciduria; MCD deficiency. Identifiers: Orphanet 943, MedGen C0342793, MONDO:0009556, OMIM 248360.
Inborn genetic diseases. Identifiers: MedGen C0950123, MeSH D030342.

gnomAD v4.1: 43 of 1,614,148 alleles (0.0027%); highest among the groups gnomAD compares: Admixed American, 0.012%; no homozygotes.

Submissions (2):

Ambry Genetics
Classification: Uncertain significance for Inborn genetic diseases. Last evaluated: 2024-02-21. Review status: criteria provided, single submitter. Criteria: Ambry Variant Classification Scheme 2023. Collection method: clinical testing. Allele origin: germline.

Labcorp Genetics (formerly Invitae), Labcorp
Classification: Uncertain significance for Deficiency of malonyl-CoA decarboxylase. Last evaluated: 2022-07-25. Review status: criteria provided, single submitter. Criteria: Invitae Variant Classification Sherloc (09022015). Collection method: clinical testing. Allele origin: germline.
Comment: This sequence change replaces valine, which is neutral and non-polar, with isoleucine, which is neutral and non-polar, at codon 312 of the MLYCD protein (p.Val312Ile). This variant is present in population databases (rs781754033, gnomAD 0.01%). This variant has not been reported in the literature in individuals affected with MLYCD-related conditions. Algorithms developed to predict the effect of missense changes on protein structure and function output the following: SIFT: "Tolerated"; PolyPhen-2: "Benign"; Align-GVGD: "Class C0". The isoleucine amino acid residue is found in multiple mammalian species, which suggests that this missense change does not adversely affect protein function. In summary, the available evidence is currently insufficient to determine the role of this variant in disease. Therefore, it has been classified as a Variant of Uncertain Significance.

NM_012213.3(MLYCD):c.934G>A (p.Val312Ile)

Genes: MLYCD (malonyl-CoA decarboxylase; plus strand), LOC126862422 (CDK7 strongly-dependent group 2 enhancer GRCh37_chr16:83945234-83946433; plus strand). Cytogenetic location: 16q23.3.
Variant type: single nucleotide variant.
Coding change: c.934G>A on transcript NM_012213.3 (MANE Select); coding-DNA position 934, G replaced by A.
Protein change: p.Val312Ile; replaces valine 312 with isoleucine.
Molecular consequence: missense variant.
Genome position (GRCh38, 1-based): chr16:83,912,353, G>A. VCF-style: chr16-83912353-G-A. GRCh37 (hg19) VCF-style: chr16-83945958-G-A.
Other names: short protein forms V312I.
Identifiers: ClinVar variation 2149688 (VCV002149688.2), dbSNP rs781754033, ClinGen allele CA8197435.